The following is an entry in ClinVar:

NM_145698.5(ACBD5):c.994dup (p.Ser332fs)

Gene: ACBD5 (acyl-CoA binding domain containing 5; minus strand). Cytogenetic location: 10p12.1.
Variant type: Duplication.
Coding change: c.994dup on transcript NM_145698.5 (MANE Select); coding-DNA position 994, one base duplicated (T; older notation c.994dupT).
Protein change: p.Ser332fs; shifts the reading frame from serine 332.
Molecular consequence: frameshift variant.
Genome position (GRCh38, 1-based): chr10:27,211,024, A duplicated on the plus strand (T on the coding strand, the reverse complement: ACBD5 is on the minus strand); the first of 2 consecutive A bases (chr10:27,211,024-27,211,025); duplicating either gives the same sequence. VCF-style (leftmost placement, unchanged base first): chr10-27211023-G-GA. GRCh37 (hg19) VCF-style: chr10-27499952-G-GA.
Other names: c.889dup, p.Ser297fs (NM_001042473.4, NM_001352577.2, NM_001352578.2 and 1 more transcripts); c.988dup, p.Ser330fs (NM_001271512.3); c.667dup, p.Ser223fs (NM_001301251.2, NM_001301252.2, NM_001301253.2 and 2 more transcripts); c.463dup, p.Ser155fs (NM_001301254.2); c.1048dup, p.Ser350fs (NM_001352568.1); c.1027dup, p.Ser343fs (NM_001352569.1); c.994dup, p.Ser332fs (NM_001352570.1); c.1021dup, p.Ser341fs (NM_001352571.1); and 10 more; short protein forms S155fs, S223fs, S229fs, S234fs, S262fs, S264fs, S273fs, S275fs.
Identifiers: ClinVar variation 5019440 (VCV005019440.2).
Genomic context (GRCh38, chr10:27,211,023, plus strand): 5'-CCATTTCCAGGAGGTACTTGAATATCTTCACGAAATCCAGAATTTTCCATGGGTTGACTG[G>GA]AATGACCACCCAAGTAATACTGAAATGGTCCATTGTTGGACGTAAAGCTGTCTAAAGACT-3'

ClinVar aggregate classification (germline): Likely pathogenic (1 of 4 stars; one submission).

Conditions:
Retinal dystrophy with leukodystrophy. Identifiers: MedGen C5394315, MONDO:0030026, OMIM 618863.

Submission:

Juno Genomics, Hangzhou Juno Genomics, Inc
Classification: Likely pathogenic for Retinal dystrophy with leukodystrophy. Review status: criteria provided, single submitter. Criteria: ACMG Guidelines, 2015. Collection method: clinical testing. Allele origin: germline.
Comment: Absent from controls (or at extremely low frequency if recessive) in Genome Aggregation Database.;Null variant in a gene where loss of function (LOF) is a known mechanism of disease.